The following is an entry in ClinVar:

ClinVar aggregate classification (germline): Uncertain significance (1 of 4 stars; one submission).

gnomAD v4.1: 4 of 1,614,038 alleles (0.00025%); highest among the groups gnomAD compares: Middle Eastern, 0.016%; no homozygotes.

Submission:

Ambry Genetics
Classification: Uncertain significance. Last evaluated: 2025-06-30. Review status: criteria provided, single submitter. Criteria: Ambry Variant Classification Scheme 2023. Collection method: clinical testing. Allele origin: germline.
Comment: The p.V802L variant (also known as c.2404G>C), located in coding exon 1 of the TET2 gene, results from a G to C substitution at nucleotide position 2404. The valine at codon 802 is replaced by leucine, an amino acid with highly similar properties. This amino acid position is conserved. In addition, this alteration is predicted to be tolerated by in silico analysis. Based on the available evidence, the clinical significance of this variant remains unclear.

NM_001127208.3(TET2):c.2404G>C (p.Val802Leu)

Genes: TET2 (tet methylcytosine dioxygenase 2; plus strand), TET2-AS1 (TET2 antisense RNA 1; minus strand). Cytogenetic location: 4q24.
Variant type: single nucleotide variant.
Coding change: c.2404G>C on transcript NM_001127208.3 (MANE Select); coding-DNA position 2404, G replaced by C.
Protein change: p.Val802Leu; replaces valine 802 with leucine.
Molecular consequence: missense variant.
Genome position (GRCh38, 1-based): chr4:105,236,346, G>C. VCF-style: chr4-105236346-G-C. GRCh37 (hg19) VCF-style: chr4-106157503-G-C.
Other names: c.2404G>C, p.Val802Leu (NM_017628.4); short protein forms V802L.
Identifiers: ClinVar variation 4182941 (VCV004182941.1).